The following is an entry in ClinVar:

NM_005121.3(MED13):c.3281G>C (p.Cys1094Ser)

Gene: MED13 (mediator complex subunit 13; minus strand). Cytogenetic location: 17q23.2.
Variant type: single nucleotide variant.
Coding change: c.3281G>C on transcript NM_005121.3 (MANE Select); coding-DNA position 3281, G replaced by C.
Protein change: p.Cys1094Ser; replaces cysteine 1094 with serine.
Molecular consequence: missense variant.
Genome position (GRCh38, 1-based): chr17:61,982,722, C>G on the plus strand (G>C on the coding strand, the complement: MED13 is on the minus strand). VCF-style: chr17-61982722-C-G. GRCh37 (hg19) VCF-style: chr17-60060083-C-G.
Other names: short protein forms C1094S.
Identifiers: ClinVar variation 3767652 (VCV003767652.1).
Genomic context (GRCh38, chr17:61,982,722, plus strand): 5'-GGATCTGGAATGTAAACTCCAACATCGGCACCCTTGATGTTCATGTTGCAAACACAGATG[C>G]AACAACTATCAAAGTTACAGTCTTTAAACAAATTCATAACTGATTCTGAAAGGATGAGGT-3'
Protein context (NP_005112.2, residues 1084-1104): LFKDCNFDSC[Cys1094Ser]ICVCNMNIKG

ClinVar aggregate classification (germline): Uncertain significance (1 of 4 stars; one submission).

gnomAD v4.1: 1 of 1,614,166 alleles (0.000062%); highest among the groups gnomAD compares: East Asian, 0.0022%; no homozygotes.

Submission:

GeneDx
Classification: Uncertain significance. Last evaluated: 2024-09-08. Review status: criteria provided, single submitter. Criteria: GeneDx Variant Classification Process June 2021. Collection method: clinical testing. Allele origin: germline. Affected: yes.
Comment: Not observed at significant frequency in large population cohorts (gnomAD); In silico analysis supports that this missense variant has a deleterious effect on protein structure/function; Has not been previously published as pathogenic or benign to our knowledge